The following is an entry in ClinVar:

ClinVar aggregate classification (germline): Uncertain significance (1 of 4 stars; one submission).

Submission:

Labcorp Genetics (formerly Invitae), Labcorp
Classification: Uncertain significance. Last evaluated: 2025-03-07. Review status: criteria provided, single submitter. Criteria: Invitae Variant Classification Sherloc (09022015). Collection method: clinical testing. Allele origin: germline.
Comment: This sequence change replaces leucine, which is neutral and non-polar, with valine, which is neutral and non-polar, at codon 628 of the FOCAD protein (p.Leu628Val). This variant is present in population databases (rs764085571, gnomAD 0.003%). This variant has not been reported in the literature in individuals affected with FOCAD-related conditions. Experimental studies and prediction algorithms are not available or were not evaluated, and the functional significance of this variant is currently unknown. In summary, the available evidence is currently insufficient to determine the role of this variant in disease. Therefore, it has been classified as a Variant of Uncertain Significance.

NM_001375567.1(FOCAD):c.1882T>G (p.Leu628Val)

Gene: FOCAD (focadhesin; plus strand). Cytogenetic location: 9p21.3.
Variant type: single nucleotide variant.
Coding change: c.1882T>G on transcript NM_001375567.1 (MANE Select); coding-DNA position 1882, T replaced by G.
Protein change: p.Leu628Val; replaces leucine 628 with valine.
Molecular consequence: missense variant.
Genome position (GRCh38, 1-based): chr9:20,823,077, T>G. VCF-style: chr9-20823077-T-G. GRCh37 (hg19) VCF-style: chr9-20823076-T-G.
Other names: c.1777T>G, p.Leu593Val (NM_001375568.1, NM_001375570.1); c.1882T>G, p.Leu628Val (NM_017794.5); short protein forms L593V, L628V.
Identifiers: ClinVar variation 4798888 (VCV004798888.1).
Genomic context (GRCh38, chr9:20,823,077, plus strand): 5'-GCAGCTATTTCTCAAGTGTTGAATGAATGCACCAAGCCTGATCAAGCTACTCCAGCAGCC[T>G]TGGTATTACAGGGTCTTCATGCACTCTGTCAAGCTGAGGTAGGCATTTTTAAATTGCTTT-3'
Protein context (NP_001362496.1, residues 618-638): TKPDQATPAA[Leu628Val]VLQGLHALCQ